The following is an entry in ClinVar:

ClinVar aggregate classification (germline): Uncertain significance (1 of 4 stars; one submission).

Conditions:
Inborn genetic diseases. Identifiers: MedGen C0950123, MeSH D030342.

Allele frequency attached by ClinVar (database versions not stated): TOPMed 0.00002; gnomAD 0.00003; gnomAD exomes 0.00004; ExAC 0.00003.
gnomAD v4.1: 62 of 1,613,696 alleles (0.0038%); highest among the groups gnomAD compares: South Asian, 0.032%; no homozygotes.

Submission:

Ambry Genetics
Classification: Uncertain significance for Inborn genetic diseases. Last evaluated: 2026-04-08. Review status: criteria provided, single submitter. Criteria: Ambry Variant Classification Scheme 2023. Collection method: clinical testing. Allele origin: germline.
Comment: The c.1076A>G (p.H359R) alteration is located in exon 8 (coding exon 7) of the MTRR gene. This alteration results from a A to G substitution at nucleotide position 1076, causing the histidine (H) at amino acid position 359 to be replaced by an arginine (R). Based on data from gnomAD, the G allele has an overall frequency of 0.003% (9/282856) total alleles studied. The highest observed frequency was 0.02% (6/30616) of South Asian alleles. Based on insufficient or conflicting evidence, the clinical significance of this alteration remains unclear.

NM_002454.3(MTRR):c.1076A>G (p.His359Arg)

Gene: MTRR (5-methyltetrahydrofolate-homocysteine methyltransferase reductase; plus strand). Cytogenetic location: 5p15.31.
Variant type: single nucleotide variant.
Coding change: c.1076A>G on transcript NM_002454.3 (MANE Select); coding-DNA position 1076, A replaced by G.
Protein change: p.His359Arg; replaces histidine 359 with arginine.
Molecular consequence: missense variant. On other transcripts: non-coding transcript variant (12).
Genome position (GRCh38, 1-based): chr5:7,886,633, A>G. VCF-style: chr5-7886633-A-G. GRCh37 (hg19) VCF-style: chr5-7886746-A-G.
Other names: c.1076A>G, p.His359Arg (NM_001364440.2, NM_001364441.2, NM_001364442.2 and 1 more transcripts); short protein forms H359R.
Identifiers: ClinVar variation 2332908 (VCV002332908.3), dbSNP rs761632409, ClinGen allele CA3195817.